The following is an entry in ClinVar:

NM_001329998.2(TRANK1):c.6537C>T (p.Ile2179=)

Gene: TRANK1 (tetratricopeptide repeat and ankyrin repeat containing 1; minus strand). Cytogenetic location: 3p22.2.
Variant type: single nucleotide variant.
Coding change: c.6537C>T on transcript NM_001329998.2 (MANE Select); coding-DNA position 6537, C replaced by T.
Protein change: p.Ile2179=; no amino-acid change (isoleucine 2179 retained).
Molecular consequence: synonymous variant.
Genome position (GRCh38, 1-based): chr3:36,833,046, G>A on the plus strand (C>T on the coding strand, the complement: TRANK1 is on the minus strand). VCF-style: chr3-36833046-G-A. GRCh37 (hg19) VCF-style: chr3-36874537-G-A.
Other names: c.6405C>T, p.Ile2135= (NM_014831.3).
Identifiers: ClinVar variation 4822216 (VCV004822216.4).

ClinVar aggregate classification (germline): Likely benign (1 of 4 stars; one submission).

gnomAD v4.1: 69 of 1,612,816 alleles (0.0043%); highest among the groups gnomAD compares: Non-Finnish European, 0.0056%; no homozygotes.

Submission:

CeGaT Center for Human Genetics Tuebingen
Classification: Likely benign. Last evaluated: 2026-02-01. Review status: criteria provided, single submitter. Criteria: CeGaT Center For Human Genetics Tuebingen Variant Classification Criteria Version 2. Collection method: clinical testing. Allele origin: germline. Affected: yes. Observed: 1 variant allele.
Comment: TRANK1: BP4, BP7